The following is an entry in ClinVar:

NM_144573.4(NEXN):c.65A>G (p.Tyr22Cys)

Gene: NEXN (nexilin F-actin binding protein; plus strand). Cytogenetic location: 1p31.1.
Variant type: single nucleotide variant.
Coding change: c.65A>G on transcript NM_144573.4 (MANE Select); coding-DNA position 65, A replaced by G.
Protein change: p.Tyr22Cys; replaces tyrosine 22 with cysteine.
Molecular consequence: missense variant. On other transcripts: intron variant (1).
Genome position (GRCh38, 1-based): chr1:77,917,603, A>G. VCF-style: chr1-77917603-A-G. GRCh37 (hg19) VCF-style: chr1-78383288-A-G.
Other names: c.28-357A>G (NM_001172309.2); short protein forms Y22C.
Identifiers: ClinVar variation 373625 (VCV000373625.1), dbSNP rs1057518512, ClinGen allele CA16042401.

ClinVar aggregate classification (germline): Uncertain significance (1 of 4 stars; one submission).

Allele frequency attached by ClinVar (database versions not stated): gnomAD exomes below 0.00001; TOPMed below 0.00001; gnomAD 0.00001.
gnomAD v4.1: 5 of 1,613,476 alleles (0.00031%); highest among the groups gnomAD compares: African/African-American, 0.0013%; no homozygotes.

Submission:

GeneDx
Classification: Uncertain significance. Last evaluated: 2016-12-02. Review status: criteria provided, single submitter. Criteria: GeneDx Variant Classification (06012015). Collection method: clinical testing. Allele origin: germline. Affected: yes.
Comment: A novel variant of uncertain significance has been identified in the NEXN gene. The Y22C variant has not been published as a pathogenic variant, nor has it been reported as a benign variant to our knowledge. It was not observed in approximately 6,000 individuals of European and African American ancestry in the NHLBI Exome Sequencing Project, indicating it is not a common benign variant in these populations. In addition, the Y22C variant is a non-conservative amino acid substitution, which is likely to impact secondary protein structure as these residues differ in polarity, charge, size and/or other properties. Moreover, this substitution occurs at a position that is conserved across species, and in silico analysis predicts this variant is probably damaging to the protein structure/function. Nonetheless, this variant lacks observation in a significant number of affected individuals, segregation data, and functional evidence, all of which would further clarify pathogenicity.Therefore, based on the currently available information, it is unclear whether this variant is pathogenic or rare benign. This result cannot be interpreted for diagnosis or used for family member screening at this time.